The following is an entry in ClinVar:

ClinVar aggregate classification (germline): Uncertain significance (1 of 4 stars; one submission).

Conditions:
Cardiomyopathy (CMYO). Also called: Cardiomyopathies. Identifiers: Orphanet 167848, MedGen C0878544, MONDO:0004994, HP:0001638. Inheritance: Various modes of inheritance.

gnomAD v4.1: 1 of 1,614,020 alleles (0.000062%); highest among the groups gnomAD compares: South Asian, 0.0011%; no homozygotes.

Submission:

Color Diagnostics, LLC DBA Color Health
Classification: Uncertain significance for Cardiomyopathy. Last evaluated: 2025-09-08. Review status: criteria provided, single submitter. Criteria: ACMG Guidelines, 2015. Collection method: clinical testing. Allele origin: germline.
Comment: This missense variant replaces isoleucine with methionine at codon 173 of the DSC2 protein. Computational prediction suggests that this variant may not impact protein structure and function. To our knowledge, functional studies have not been reported for this variant. This variant has not been reported in individuals affected with DSC2-related disorders in the literature. This variant has not been identified in the general population by the Genome Aggregation Database (gnomAD). The available evidence is insufficient to determine the role of this variant in disease conclusively. Therefore, this variant is classified as a Variant of Uncertain Significance.

NM_024422.6(DSC2):c.519A>G (p.Ile173Met)

Gene: DSC2 (desmocollin 2; minus strand). Cytogenetic location: 18q12.1.
Variant type: single nucleotide variant.
Coding change: c.519A>G on transcript NM_024422.6 (MANE Select); coding-DNA position 519, A replaced by G.
Protein change: p.Ile173Met; replaces isoleucine 173 with methionine.
Molecular consequence: missense variant.
Genome position (GRCh38, 1-based): chr18:31,089,550, T>C on the plus strand (A>G on the coding strand, the complement: DSC2 is on the minus strand). VCF-style: chr18-31089550-T-C. GRCh37 (hg19) VCF-style: chr18-28669513-T-C.
Other names: c.90A>G, p.Ile30Met (NM_001406506.1, NM_001406507.1); c.519A>G, p.Ile173Met (NM_004949.5); short protein forms I173M, I30M.
Identifiers: ClinVar variation 4756439 (VCV004756439.1).
Genomic context (GRCh38, chr18:31,089,550, plus strand): 5'-TCCAGTGTCTCTCTCCACATAAAATAAATTCCGAGGTTCTTGGTCAACTCCAGGACCTCT[T>C]ATGGAATAGTATATGGTATAGTTTTGGGCCGTGTCAGATTGAACCTAGAAAGTAGATATT-3'
Protein context (NP_077740.1, residues 163-183): TAQNYTIYYS[Ile173Met]RGPGVDQEPR